The following is an entry in ClinVar:

NC_000003.12:g.48566738del

Gene: COL7A1 (collagen type VII alpha 1 chain; minus strand). Cytogenetic location: 3p21.31.
Variant type: Deletion.
Genome position: GRCh38 VCF-style: chr3-48566735-AC-A. GRCh37 (hg19) VCF-style: chr3-48604168-AC-A.
Identifiers: ClinVar variation 2847290 (VCV002847290.3), dbSNP rs2530815331, ClinGen allele CA2665617616.

ClinVar aggregate classification (germline): Pathogenic (1 of 4 stars; one submission).

Submission:

Labcorp Genetics (formerly Invitae), Labcorp
Classification: Pathogenic. Last evaluated: 2023-03-26. Review status: criteria provided, single submitter. Criteria: Invitae Variant Classification Sherloc (09022015). Collection method: clinical testing. Allele origin: germline.
Comment: For these reasons, this variant has been classified as Pathogenic. Algorithms developed to predict the effect of sequence changes on RNA splicing suggest that this variant may create or strengthen a splice site. This variant has not been reported in the literature in individuals affected with COL7A1-related conditions. This variant is not present in population databases (gnomAD no frequency). This sequence change creates a premature translational stop signal (p.Gly2743Valfs*43) in the COL7A1 gene. It is expected to result in an absent or disrupted protein product. Loss-of-function variants in COL7A1 are known to be pathogenic (PMID: 16971478).

Literature cited by the submitters: PubMed 16971478.